The following is an entry in ClinVar:

ClinVar aggregate classification (germline): Uncertain significance (1 of 4 stars; one submission).

Conditions:
Developmental and epileptic encephalopathy, 33 (DEE33). Also called: Epileptic encephalopathy, early infantile, 33. Identifiers: Orphanet 442835, MedGen C4225337, MONDO:0014625, OMIM 616409.

gnomAD v4.1: 2 of 1,612,694 alleles (0.00012%); highest among the groups gnomAD compares: Non-Finnish European, 0.00017%; no homozygotes.

Submission:

Labcorp Genetics (formerly Invitae), Labcorp
Classification: Uncertain significance for Developmental and epileptic encephalopathy, 33. Last evaluated: 2024-12-24. Review status: criteria provided, single submitter. Criteria: Invitae Variant Classification Sherloc (09022015). Collection method: clinical testing. Allele origin: germline.
Comment: This sequence change replaces lysine, which is basic and polar, with arginine, which is basic and polar, at codon 165 of the EEF1A2 protein (p.Lys165Arg). This variant is not present in population databases (gnomAD no frequency). This variant has not been reported in the literature in individuals affected with EEF1A2-related conditions. Invitae Evidence Modeling of protein sequence and biophysical properties (such as structural, functional, and spatial information, amino acid conservation, physicochemical variation, residue mobility, and thermodynamic stability) indicates that this missense variant is not expected to disrupt EEF1A2 protein function with a negative predictive value of 80%. In summary, the available evidence is currently insufficient to determine the role of this variant in disease. Therefore, it has been classified as a Variant of Uncertain Significance.

NM_001958.5(EEF1A2):c.494A>G (p.Lys165Arg)

Genes: EEF1A2 (eukaryotic translation elongation factor 1 alpha 2; minus strand), LOC132090595 (Neanderthal introgressed variant-containing enhancer experimental_60987; plus strand). Cytogenetic location: 20q13.33.
Variant type: single nucleotide variant.
Coding change: c.494A>G on transcript NM_001958.5 (MANE Select); coding-DNA position 494, A replaced by G.
Protein change: p.Lys165Arg; replaces lysine 165 with arginine.
Molecular consequence: missense variant.
Genome position (GRCh38, 1-based): chr20:63,494,932, T>C on the plus strand (A>G on the coding strand, the complement: EEF1A2 is on the minus strand). VCF-style: chr20-63494932-T-C. GRCh37 (hg19) VCF-style: chr20-62126285-T-C.
Other names: short protein forms K165R.
Identifiers: ClinVar variation 3688471 (VCV003688471.2).